The following is an entry in ClinVar:

NM_000051.4(ATM):c.1153A>G (p.Lys385Glu)

Gene: ATM (ATM serine/threonine kinase; plus strand). Cytogenetic location: 11q22.3.
Variant type: single nucleotide variant.
Coding change: c.1153A>G on transcript NM_000051.4 (MANE Select); coding-DNA position 1153, A replaced by G.
Protein change: p.Lys385Glu; replaces lysine 385 with glutamic acid.
Molecular consequence: missense variant.
Genome position (GRCh38, 1-based): chr11:108,249,020, A>G. VCF-style: chr11-108249020-A-G. GRCh37 (hg19) VCF-style: chr11-108119747-A-G.
Other names: c.1153A>G, p.Lys385Glu (NM_001351834.2); short protein forms K385E.
Identifiers: ClinVar variation 926375 (VCV000926375.5), dbSNP rs2079996194, ClinGen allele CA382532493.

ClinVar aggregate classification (germline): Uncertain significance. Review status: criteria provided, multiple submitters, no conflicts (2 of 4 stars). 2 submissions from 2 submitters: Uncertain significance (2). Last evaluated 2022-11-02.

Conditions:
Hereditary cancer-predisposing syndrome. Also called: Neoplastic Syndromes, Hereditary; Tumor predisposition; Hereditary Cancer Syndrome; Hereditary neoplastic syndrome. Identifiers: Orphanet 140162, MedGen C0027672, MeSH D009386, MONDO:0015356.

Allele frequency attached by ClinVar (database versions not stated): gnomAD exomes below 0.00001.
gnomAD v4.1: 1 of 1,614,062 alleles (0.000062%); highest among the groups gnomAD compares: South Asian, 0.0011%; no homozygotes.

Submissions (2):

Ambry Genetics
Classification: Uncertain significance for Hereditary cancer-predisposing syndrome. Last evaluated: 2022-11-02. Review status: criteria provided, single submitter. Criteria: Ambry Variant Classification Scheme 2023. Collection method: clinical testing. Allele origin: germline.
Comment: The p.K385E variant (also known as c.1153A>G), located in coding exon 8 of the ATM gene, results from an A to G substitution at nucleotide position 1153. The lysine at codon 385 is replaced by glutamic acid, an amino acid with similar properties. This amino acid position is highly conserved in available vertebrate species. In addition, the in silico prediction for this alteration is inconclusive. Since supporting evidence is limited at this time, the clinical significance of this alteration remains unclear.

Color Diagnostics, LLC DBA Color Health
Classification: Uncertain significance for Hereditary cancer-predisposing syndrome. Last evaluated: 2020-01-13. Review status: criteria provided, single submitter. Criteria: ACMG Guidelines, 2015. Collection method: clinical testing. Allele origin: germline.
Comment: This missense variant replaces lysine with glutamic acid at codon 385 of the ATM protein. Computational prediction suggests that this variant may have deleterious impact on protein structure and function (internally defined REVEL score threshold >= 0.7, PMID: 27666373). Splice site prediction tools suggest that this variant may not impact RNA splicing. To our knowledge, functional studies have not been performed for this variant. This variant has not been reported in individuals affected with hereditary cancer in the literature. This variant has not been identified in the general population by the Genome Aggregation Database (gnomAD). The available evidence is insufficient to determine the role of this variant in disease conclusively. Therefore, this variant is classified as a Variant of Uncertain Significance.